The following is an entry in ClinVar:

NM_144773.4(PROKR2):c.203G>T (p.Gly68Val)

Gene: PROKR2 (prokineticin receptor 2; minus strand). Cytogenetic location: 20p12.3.
Variant type: single nucleotide variant.
Coding change: c.203G>T on transcript NM_144773.4 (MANE Select); coding-DNA position 203, G replaced by T.
Protein change: p.Gly68Val; replaces glycine 68 with valine.
Molecular consequence: missense variant.
Genome position (GRCh38, 1-based): chr20:5,314,167, C>A on the plus strand (G>T on the coding strand, the complement: PROKR2 is on the minus strand). VCF-style: chr20-5314167-C-A. GRCh37 (hg19) VCF-style: chr20-5294813-C-A.
Other names: short protein forms G68V.
Identifiers: ClinVar variation 3684103 (VCV003684103.2).

ClinVar aggregate classification (germline): Uncertain significance (1 of 4 stars; one submission).

Submission:

Labcorp Genetics (formerly Invitae), Labcorp
Classification: Uncertain significance. Last evaluated: 2024-11-03. Review status: criteria provided, single submitter. Criteria: Invitae Variant Classification Sherloc (09022015). Collection method: clinical testing. Allele origin: germline.
Comment: This sequence change replaces glycine, which is neutral and non-polar, with valine, which is neutral and non-polar, at codon 68 of the PROKR2 protein (p.Gly68Val). This variant is not present in population databases (gnomAD no frequency). This variant has not been reported in the literature in individuals affected with PROKR2-related conditions. Invitae Evidence Modeling of protein sequence and biophysical properties (such as structural, functional, and spatial information, amino acid conservation, physicochemical variation, residue mobility, and thermodynamic stability) indicates that this missense variant is expected to disrupt PROKR2 protein function with a positive predictive value of 80%. In summary, the available evidence is currently insufficient to determine the role of this variant in disease. Therefore, it has been classified as a Variant of Uncertain Significance.